The following is an entry in ClinVar:

ClinVar aggregate classification (germline): Pathogenic. Review status: criteria provided, multiple submitters, no conflicts (2 of 4 stars). 5 submissions from 5 submitters: Pathogenic (4). 1 of the submissions does not count toward it. Last evaluated 2025-12-10.

Conditions:
Severe early-childhood-onset retinal dystrophy (STGD1). Also called: MACULAR DYSTROPHY WITH FLECKS, TYPE 1; Stargardt macular dystrophy; Juvenile onset macular degeneration; Stargardt disease 1; STGD. Identifiers: Orphanet 364055, Orphanet 827, MedGen C1855465, MeSH D000080362, MONDO:0009549, OMIM 248200.
ABCA4-related disorder. Also called: ABCA4-related condition; ABCA4-related disorders. Identifiers: MedGen CN239167.
Stargardt disease (FFM). Also called: Stargardt's disease; Fundus flavimaculatus. Identifiers: Orphanet 827, MedGen C0271093, MONDO:0019353.

Submissions (5):

3billion
Classification: Pathogenic for Severe early-childhood-onset retinal dystrophy. Last evaluated: 2025-12-10. Review status: criteria provided, single submitter. Criteria: ACMG Guidelines, 2015. Collection method: clinical testing. Allele origin: germline. Affected: yes.
Comment: The variant is not observed in the gnomAD v4.1.0 dataset. Predicted Consequence/Location: Missense variant Functional studies provide moderate evidence of the variant having a damaging effect on the gene or gene product (PMID: 29847635). In silico tool predictions suggest damaging effect of the variant on gene or gene product [REVEL: 0.76 (>=0.6, sensitivity 0.68 and specificity 0.92); 3Cnet: 0.96 (> 0.75, sensitivity 0.96 and precision 0.92)]. The same nucleotide change resulting in the same amino acid change has been previously reported as pathogenic/likely pathogenic with strong evidence (ClinVar ID: VCV000812197 /PMID: 29847635 /3billion dataset). A different missense change at the same codon (p.Ala1794Asp) has been reported as pathogenic/likely pathogenic with strong evidence (ClinVar ID: VCV000099371 /PMID: 10090887). Therefore, this variant is classified as Pathogenic according to the recommendation of ACMG/AMP guideline.

Labcorp Genetics (formerly Invitae), Labcorp
Classification: Pathogenic. Last evaluated: 2025-10-31. Review status: criteria provided, single submitter. Criteria: Invitae Variant Classification Sherloc (09022015). Collection method: clinical testing. Allele origin: germline.
Comment: This sequence change replaces alanine, which is neutral and non-polar, with proline, which is neutral and non-polar, at codon 1794 of the ABCA4 protein (p.Ala1794Pro). This variant is not present in population databases (gnomAD no frequency). This missense change has been observed in individual(s) with Stargardt disease (PMID: 29847635; internal data). ClinVar contains an entry for this variant (Variation ID: 812197). Invitae Evidence Modeling of protein sequence and biophysical properties (such as structural, functional, and spatial information, amino acid conservation, physicochemical variation, residue mobility, and thermodynamic stability) indicates that this missense variant is expected to disrupt ABCA4 protein function with a positive predictive value of 95%. Experimental studies have shown that this missense change affects ABCA4 function (PMID: 29847635). This variant disrupts the p.Ala1794 amino acid residue in ABCA4. Other variant(s) that disrupt this residue have been determined to be pathogenic (PMID: 10090887, 30093795). This suggests that this residue is clinically significant, and that variants that disrupt this residue are likely to be disease-causing. For these reasons, this variant has been classified as Pathogenic.

Blueprint Genetics
Classification: Pathogenic for ABCA4-related disorders. Last evaluated: 2022-01-21. Review status: criteria provided, single submitter. Criteria: ACMG Guidelines, 2015. Collection method: clinical testing. Allele origin: germline. Affected: yes. Observed: 5 variant alleles.

CeGaT Center for Human Genetics Tuebingen
Classification: Pathogenic. Last evaluated: 2021-02-01. Review status: criteria provided, single submitter. Criteria: CeGaT Center For Human Genetics Tuebingen Variant Classification Criteria Version 2. Collection method: clinical testing. Allele origin: germline. Affected: yes. Observed: 1 variant allele.

Sharon lab, Hadassah-Hebrew University Medical Center
Classification: Pathogenic for Stargardt disease. Last evaluated: 2019-06-23. Review status: no assertion criteria provided. Collection method: research. Allele origin: inherited. Affected: yes. Not counted in ClinVar's aggregate classification.

Literature cited by the submitters: PubMed 29847635 (cited by 3billion and Labcorp Genetics (formerly Invitae), Labcorp); PubMed 10090887 (cited by 3billion and Labcorp Genetics (formerly Invitae), Labcorp); PubMed 30093795 (cited by Labcorp Genetics (formerly Invitae), Labcorp).

NM_000350.3(ABCA4):c.5380G>C (p.Ala1794Pro)

Gene: ABCA4 (ATP binding cassette subfamily A member 4; minus strand). Cytogenetic location: 1p22.1.
Variant type: single nucleotide variant.
Coding change: c.5380G>C on transcript NM_000350.3 (MANE Select); coding-DNA position 5380, G replaced by C.
Protein change: p.Ala1794Pro; replaces alanine 1794 with proline.
Molecular consequence: missense variant.
Genome position (GRCh38, 1-based): chr1:94,014,623, C>G on the plus strand (G>C on the coding strand, the complement: ABCA4 is on the minus strand). VCF-style: chr1-94014623-C-G. GRCh37 (hg19) VCF-style: chr1-94480179-C-G.
Other names: c.5158G>C, p.Ala1720Pro (NM_001425324.1); short protein forms A1794P, A1720P.
Identifiers: ClinVar variation 812197 (VCV000812197.44), dbSNP rs1571252997, ClinGen allele CA341281397.